The following is an entry in ClinVar:

NM_024876.4(COQ8B):c.893+271_893+274del

Gene: COQ8B (coenzyme Q8B; minus strand). Cytogenetic location: 19q13.2.
Variant type: Microsatellite.
Coding change: c.893+271_893+274del on transcript NM_024876.4 (MANE Select); bases 271 to 274 of the intron after coding-DNA position 893, 4 bases deleted (ATTA; older notation c.893+271_893+274delATTA).
Molecular consequence: intron variant.
Genome position (GRCh38, 1-based): chr19:40,702,326-40,702,329, TAAT deleted on the plus strand (ATTA on the coding strand, the reverse complement: COQ8B is on the minus strand); deleting any 4 consecutive bases within chr19:40,702,326-40,702,336 gives the same sequence; the c. name uses the placement nearest the transcript's 3' end. VCF-style (leftmost placement, unchanged base first): chr19-40702325-GTAAT-G. GRCh37 (hg19) VCF-style: chr19-41208230-GTAAT-G.
Other names: c.770+271_770+274del (NM_001142555.3).
Identifiers: ClinVar variation 683203 (VCV000683203.1), dbSNP rs10541806, ClinGen allele CA308441920.

ClinVar aggregate classification (germline): Benign (1 of 4 stars; one submission).

Submission:

GeneDx
Classification: Benign. Last evaluated: 2018-06-14. Review status: criteria provided, single submitter. Criteria: GeneDx Variant Classification (06012015). Collection method: clinical testing. Allele origin: germline. Affected: yes.
Comment: This variant is considered likely benign or benign based on one or more of the following criteria: it is a conservative change, it occurs at a poorly conserved position in the protein, it is predicted to be benign by multiple in silico algorithms, and/or has population frequency not consistent with disease.